The following is an entry in ClinVar:

NM_152443.3(RDH12):c.744_768del (p.Leu247_Trp248insTer)

Genes: GPHN (gephyrin; plus strand), RDH12 (retinol dehydrogenase 12; plus strand), ZFYVE26 (zinc finger FYVE-type containing 26; minus strand). Cytogenetic location: 14q24.1.
Variant type: Deletion.
Coding change: c.744_768del on transcript NM_152443.3 (MANE Select); coding-DNA positions 744 to 768, 25 bases deleted (GCGGCTCTTCTCCCCCTTTGTCAAG).
Protein change: p.Leu247_Trp248insTer.
Molecular consequence: nonsense.
Genome position (GRCh38, 1-based): chr14:67,729,276-67,729,300, GCGGCTCTTCTCCCCCTTTGTCAAG deleted; deleting any 25 consecutive bases within chr14:67,729,275-67,729,300 gives the same sequence; the c. name uses the placement nearest the transcript's 3' end. VCF-style (leftmost placement, unchanged base first): chr14-67729274-TGGCGGCTCTTCTCCCCCTTTGTCAA-T. GRCh37 (hg19) VCF-style: chr14-68195991-TGGCGGCTCTTCTCCCCCTTTGTCAA-T.
Identifiers: ClinVar variation 3722862 (VCV003722862.2).

ClinVar aggregate classification (germline): Pathogenic (1 of 4 stars; one submission).

Conditions:
Leber congenital amaurosis 13 (LCA13). Identifiers: MedGen C2675186, MONDO:0012990, OMIM 612712.

Submission:

Labcorp Genetics (formerly Invitae), Labcorp
Classification: Pathogenic for Leber congenital amaurosis 13. Last evaluated: 2024-10-13. Review status: criteria provided, single submitter. Criteria: Invitae Variant Classification Sherloc (09022015). Collection method: clinical testing. Allele origin: germline.
Comment: This sequence change creates a premature translational stop signal (p.Trp248*) in the RDH12 gene. It is expected to result in an absent or disrupted protein product. Loss-of-function variants in RDH12 are known to be pathogenic (PMID: 17964524, 22065924, 32014858, 34001834). This variant is not present in population databases (gnomAD no frequency). This variant has not been reported in the literature in individuals affected with RDH12-related conditions. For these reasons, this variant has been classified as Pathogenic.

Literature cited by the submitters: PubMed 17964524; PubMed 22065924; PubMed 32014858; PubMed 34001834.